The following is an entry in ClinVar:

NM_020778.5(ALPK3):c.4129+5G>T

Gene: ALPK3 (alpha kinase 3; plus strand). Cytogenetic location: 15q25.3.
Variant type: single nucleotide variant.
Coding change: c.4129+5G>T on transcript NM_020778.5 (MANE Select); 5 bases into the intron after coding-DNA position 4129, G replaced by T.
Molecular consequence: intron variant.
Genome position (GRCh38, 1-based): chr15:84,860,077, G>T. VCF-style: chr15-84860077-G-T. GRCh37 (hg19) VCF-style: chr15-85403308-G-T.
Identifiers: ClinVar variation 2120101 (VCV002120101.4), dbSNP rs1432174244, ClinGen allele CA619855381.

ClinVar aggregate classification (germline): Uncertain significance (1 of 4 stars; one submission).

gnomAD v4.1: 2 of 1,614,112 alleles (0.00012%); highest among the groups gnomAD compares: East Asian, 0.0022%; no homozygotes.

Submission:

Labcorp Genetics (formerly Invitae), Labcorp
Classification: Uncertain significance. Last evaluated: 2024-10-06. Review status: criteria provided, single submitter. Criteria: Invitae Variant Classification Sherloc (09022015). Collection method: clinical testing. Allele origin: germline.
Comment: This sequence change falls in intron 9 of the ALPK3 gene. It does not directly change the encoded amino acid sequence of the ALPK3 protein. It affects a nucleotide within the consensus splice site. This variant is present in population databases (no rsID available, gnomAD 0.006%). This variant has not been reported in the literature in individuals affected with ALPK3-related conditions. ClinVar contains an entry for this variant (Variation ID: 2120101). Variants that disrupt the consensus splice site are a relatively common cause of aberrant splicing (PMID: 17576681, 9536098). Algorithms developed to predict the effect of sequence changes on RNA splicing suggest that this variant may create or strengthen a splice site. In summary, the available evidence is currently insufficient to determine the role of this variant in disease. Therefore, it has been classified as a Variant of Uncertain Significance.

Literature cited by the submitters: PubMed 17576681; PubMed 9536098.